The following is an entry in ClinVar:

NM_001625.4(AK2):c.226G>A (p.Asp76Asn)

Gene: AK2 (adenylate kinase 2; minus strand). Cytogenetic location: 1p35.1.
Variant type: single nucleotide variant.
Coding change: c.226G>A on transcript NM_001625.4 (MANE Select); coding-DNA position 226, G replaced by A.
Protein change: p.Asp76Asn; replaces aspartic acid 76 with asparagine.
Molecular consequence: missense variant. On other transcripts: non-coding transcript variant (1).
Genome position (GRCh38, 1-based): chr1:33,021,697, C>T on the plus strand (G>A on the coding strand, the complement: AK2 is on the minus strand). VCF-style: chr1-33021697-C-T. GRCh37 (hg19) VCF-style: chr1-33487298-C-T.
Other names: c.226G>A, p.Asp76Asn (NM_001199199.3, NM_001319141.3, NM_001319143.2 and 1 more transcripts); c.82G>A, p.Asp28Asn (NM_001319139.3, NM_001319140.2); c.100G>A, p.Asp34Asn (NM_001319142.3); short protein forms D28N, D34N, D76N.
Identifiers: ClinVar variation 968302 (VCV000968302.8), dbSNP rs755150735, ClinGen allele CA747205.
Genomic context (GRCh38, chr1:33,021,697, plus strand): 5'-AACCATTTTTGCACAAGGGGGTCTCCAAATTCTTCTCAATGAGCTCCACTACCATTTCAT[C>T]ACTCACCTGGAAGTTAGGAACAAAATAGCCTTGGGTTTAAATCCATTACCTAGGTGACTG-3'
Protein context (NP_001616.1, residues 66-86): ATMDAGKLVS[Asp76Asn]EMVVELIEKN

ClinVar aggregate classification (germline): Uncertain significance (1 of 4 stars; one submission).

Conditions:
Reticular dysgenesis. Also called: DeVaal disease; ALEUKOCYTOSIS; CONGENITAL ALEUKIA; HEMATOPOIETIC HYPOPLASIA, GENERALIZED; RETICULAR DYSGENESIA; SEVERE COMBINED IMMUNODEFICIENCY WITH LEUKOPENIA. Identifiers: Orphanet 33355, MedGen C0272167, MONDO:0009973, OMIM 267500.

Allele frequency attached by ClinVar (database versions not stated): ExAC 0.00001; gnomAD exomes 0.00001; gnomAD 0.00003 and 0.00004; TOPMed 0.00003.

Submission:

Labcorp Genetics (formerly Invitae), Labcorp
Classification: Uncertain significance for Reticular dysgenesis. Last evaluated: 2021-12-24. Review status: criteria provided, single submitter. Criteria: Invitae Variant Classification Sherloc (09022015). Collection method: clinical testing. Allele origin: germline.
Comment: In summary, the available evidence is currently insufficient to determine the role of this variant in disease. Therefore, it has been classified as a Variant of Uncertain Significance. Algorithms developed to predict the effect of missense changes on protein structure and function are either unavailable or do not agree on the potential impact of this missense change (SIFT: "Deleterious"; PolyPhen-2: "Probably Damaging"; Align-GVGD: "Class C15"). ClinVar contains an entry for this variant (Variation ID: 968302). This variant has not been reported in the literature in individuals affected with AK2-related conditions. This variant is present in population databases (rs755150735, gnomAD 0.002%). This sequence change replaces aspartic acid, which is acidic and polar, with asparagine, which is neutral and polar, at codon 76 of the AK2 protein (p.Asp76Asn).